The following is an entry in ClinVar:

ClinVar aggregate classification (germline): Uncertain significance (1 of 4 stars; one submission).

Submission:

Labcorp Genetics (formerly Invitae), Labcorp
Classification: Uncertain significance. Last evaluated: 2021-04-27. Review status: criteria provided, single submitter. Criteria: Invitae Variant Classification Sherloc (09022015). Collection method: clinical testing. Allele origin: germline.
Comment: This sequence change replaces tryptophan with arginine at codon 46 of the FLAD1 protein (p.Trp46Arg). The tryptophan residue is weakly conserved and there is a moderate physicochemical difference between tryptophan and arginine. This variant is not present in population databases (ExAC no frequency). This variant has not been reported in the literature in individuals with FLAD1-related conditions. Algorithms developed to predict the effect of missense changes on protein structure and function output the following: SIFT: "Deleterious"; PolyPhen-2: "Benign"; Align-GVGD: "Class C0". The arginine amino acid residue is found in multiple mammalian species, suggesting that this missense change does not adversely affect protein function. These predictions have not been confirmed by published functional studies and their clinical significance is uncertain. In summary, the available evidence is currently insufficient to determine the role of this variant in disease. Therefore, it has been classified as a Variant of Uncertain Significance.

NM_025207.5(FLAD1):c.136T>C (p.Trp46Arg)

Gene: FLAD1 (flavin adenine dinucleotide synthetase 1; plus strand). Cytogenetic location: 1q21.3.
Variant type: single nucleotide variant.
Coding change: c.136T>C on transcript NM_025207.5 (MANE Select); coding-DNA position 136, T replaced by C.
Protein change: p.Trp46Arg; replaces tryptophan 46 with arginine.
Molecular consequence: missense variant. On other transcripts: intron variant (3).
Genome position (GRCh38, 1-based): chr1:154,983,830, T>C. VCF-style: chr1-154983830-T-C. GRCh37 (hg19) VCF-style: chr1-154956306-T-C.
Other names: c.-144-12T>C (NM_001184891.2, NM_201398.3); c.-789-12T>C (NM_001184892.2); short protein forms W46R.
Identifiers: ClinVar variation 1486691 (VCV001486691.8), dbSNP rs2102235774, ClinGen allele CA342734406.